The following is an entry in ClinVar:

NM_004092.4(ECHS1):c.579C>A (p.Leu193=)

Gene: ECHS1 (enoyl-CoA hydratase, short chain 1; minus strand). Cytogenetic location: 10q26.3.
Variant type: single nucleotide variant.
Coding change: c.579C>A on transcript NM_004092.4 (MANE Select); coding-DNA position 579, C replaced by A.
Protein change: p.Leu193=; no amino-acid change (leucine 193 retained).
Molecular consequence: synonymous variant.
Genome position (GRCh38, 1-based): chr10:133,366,929, G>T on the plus strand (C>A on the coding strand, the complement: ECHS1 is on the minus strand). VCF-style: chr10-133366929-G-T. GRCh37 (hg19) VCF-style: chr10-135180433-G-T.
Identifiers: ClinVar variation 3349860 (VCV003349860.1).

ClinVar aggregate classification (germline): Likely benign (0 of 4 stars; one submission).

Conditions:
ECHS1-related disorder. Also called: ECHS1-related condition.

Submission:

PreventionGenetics, part of Exact Sciences
Classification: Likely benign for ECHS1-related condition. Last evaluated: 2024-03-18. Review status: no assertion criteria provided. Collection method: clinical testing. Allele origin: germline.
Comment: This variant is classified as likely benign based on ACMG/AMP sequence variant interpretation guidelines (Richards et al. 2015 PMID: 25741868, with internal and published modifications).